The following is an entry in ClinVar:

NM_001035.3(RYR2):c.1241G>T (p.Arg414Leu)

Gene: RYR2 (ryanodine receptor 2; plus strand). Cytogenetic location: 1q43.
Variant type: single nucleotide variant.
Coding change: c.1241G>T on transcript NM_001035.3 (MANE Select); coding-DNA position 1241, G replaced by T.
Protein change: p.Arg414Leu; replaces arginine 414 with leucine.
Molecular consequence: missense variant.
Genome position (GRCh38, 1-based): chr1:237,445,471, G>T. VCF-style: chr1-237445471-G-T. GRCh37 (hg19) VCF-style: chr1-237608771-G-T.
Other names: c.1241G>T, p.Arg414Leu (LRG_402t1); short protein forms R414L.
Identifiers: ClinVar variation 431942 (VCV000431942.9), dbSNP rs371121679, ClinGen allele CA345377759.

ClinVar aggregate classification (germline): Uncertain significance. Review status: criteria provided, multiple submitters, no conflicts (2 of 4 stars). 2 submissions from 2 submitters: Uncertain significance (2). Last evaluated 2021-09-23.

Conditions:
Catecholaminergic polymorphic ventricular tachycardia 1. Also called: VENTRICULAR TACHYCARDIA, CATECHOLAMINERGIC POLYMORPHIC, 1, WITH OR WITHOUT ATRIAL DYSFUNCTION AND/OR DILATED CARDIOMYOPATHY; RYR2-Related Catecholaminergic Polymorphic Ventricular Tachycardia; VENTRICULAR TACHYCARDIA, STRESS-INDUCED POLYMORPHIC 1. Identifiers: Orphanet 3286, MedGen C1631597, MONDO:0011484, OMIM 604772.

Submissions (2):

Labcorp Genetics (formerly Invitae), Labcorp
Classification: Uncertain significance for Catecholaminergic polymorphic ventricular tachycardia 1. Last evaluated: 2021-09-23. Review status: criteria provided, single submitter. Criteria: Invitae Variant Classification Sherloc (09022015). Collection method: clinical testing. Allele origin: germline.
Comment: In summary, the available evidence is currently insufficient to determine the role of this variant in disease. Therefore, it has been classified as a Variant of Uncertain Significance. This variant disrupts the p.Arg414 amino acid residue in RYR2. Other variant(s) that disrupt this residue have been observed in individuals with RYR2-related conditions (PMID: 15887426, 21478052; Invitae), which suggests that this may be a clinically significant amino acid residue. This sequence change replaces arginine with leucine at codon 414 of the RYR2 protein (p.Arg414Leu). The arginine residue is highly conserved and there is a moderate physicochemical difference between arginine and leucine. This variant is not present in population databases (ExAC no frequency). This variant has been observed in individuals with RYR2-related conditions (PMID: 15466642, 16188589; Invitae). ClinVar contains an entry for this variant (Variation ID: 431942). Algorithms developed to predict the effect of missense changes on protein structure and function (SIFT, PolyPhen-2, Align-GVGD) all suggest that this variant is likely to be disruptive.

GeneDx
Classification: Uncertain significance. Last evaluated: 2017-12-07. Review status: criteria provided, single submitter. Criteria: GeneDx Variant Classification (06012015). Collection method: clinical testing. Allele origin: germline. Affected: yes.
Comment: A variant of uncertain significance has been identified in the RYR2 gene. This variant is also not observed in large population cohorts (Lek et al., 2016; 1000 Genomes Consortium et al., 2015; Exome Variant Server). The R414L variant is a non-conservative amino acid substitution, which is likely to impact secondary protein structure as these residues differ in polarity, charge, size and/or other properties. Additionally, this substitution occurs at a position where amino acids with similar properties to arginine (R) are tolerated across species, and in silico analysis predicts this variant is probably damaging to the protein structure/function. Moreover, R414L is located in one of the three hot-spot regions of the RYR2 gene, where the majority of pathogenic missense variants occur (Medeiros-Domingo et al., 2009). However, while a missense variant at the same residue (R414C) has also been reported in association with syncope and exercise-induced sudden death (Tester et al., 2005b; Creighton et al., 2006), the clinical significance of this variant remains to be definitely determined. Furthermore, the R414L variant lacks both segregation studies and functional evidence which would further clarify its pathogenicity.

Literature cited by the submitters: PubMed 15887426 (cited by Labcorp Genetics (formerly Invitae), Labcorp); PubMed 21478052 (cited by Labcorp Genetics (formerly Invitae), Labcorp); PubMed 15466642 (cited by Labcorp Genetics (formerly Invitae), Labcorp); PubMed 16188589 (cited by Labcorp Genetics (formerly Invitae), Labcorp).